The following is an entry in ClinVar:

NM_005359.6(SMAD4):c.1183G>C (p.Gly395Arg)

Gene: SMAD4 (SMAD family member 4; plus strand). Cytogenetic location: 18q21.2.
Variant type: single nucleotide variant.
Coding change: c.1183G>C on transcript NM_005359.6 (MANE Select); coding-DNA position 1183, G replaced by C.
Protein change: p.Gly395Arg; replaces glycine 395 with arginine.
Molecular consequence: missense variant.
Genome position (GRCh38, 1-based): chr18:51,067,062, G>C. VCF-style: chr18-51067062-G-C. GRCh37 (hg19) VCF-style: chr18-48593432-G-C.
Other names: short protein forms G395R.
Identifiers: ClinVar variation 1049800 (VCV001049800.1), dbSNP rs2144451986, ClinGen allele CA402464801.

ClinVar aggregate classification (germline): Uncertain significance (0 of 4 stars; one submission).

Conditions:
Generalized juvenile polyposis/juvenile polyposis coli. Also called: Juvenile polyposis coli. Identifiers: Orphanet 329971, MedGen C1868081, MONDO:0008276.

Submission:

Department of Pathology and Laboratory Medicine, Sinai Health System
Classification: Uncertain significance for Generalized juvenile polyposis/juvenile polyposis coli. Review status: no assertion criteria provided. Collection method: clinical testing. Allele origin: unknown. Affected: yes. Study: The Canadian Open Genetics Repository (COGR).
Comment: The SMAD4 p.Gly395Arg variant was not identified in the literature nor was it identified in the dbSNP, ClinVar, Cosmic, MutDB, LOVD 3.0, or ARUP Laboratories databases. The variant was not identified in the following control databases: the Exome Aggregation Consortium (August 8th 2016), or the Genome Aggregation Database (Feb 27, 2017). The p.Gly395 residue is conserved across mammals and other organisms, and computational analyses (PolyPhen-2, SIFT, AlignGVGD, BLOSUM, MutationTaster) suggest that the variant may impact the protein; however, this information is not predictive enough to assume pathogenicity. The variant occurs outside of the splicing consensus sequence and 2 of 4 in silico or computational prediction software programs (SpliceSiteFinder, MaxEntScan, NNSPLICE, GeneSplicer) predict a greater than 10% difference in splicing; this is not very predictive of pathogenicity. In summary, based on the above information the clinical significance of this variant cannot be determined with certainty at this time. This variant is classified as a variant of uncertain significance.